The following is an entry in ClinVar:

NM_001267550.2(TTN):c.104604C>T (p.Tyr34868=)

Genes: TTN (titin; minus strand), TTN-AS1 (TTN antisense RNA 1; plus strand). Cytogenetic location: 2q31.2.
Variant type: single nucleotide variant.
Coding change: c.104604C>T on transcript NM_001267550.2 (MANE Select); coding-DNA position 104604, C replaced by T.
Protein change: p.Tyr34868=; no amino-acid change (tyrosine 34868 retained).
Molecular consequence: synonymous variant.
Genome position (GRCh38, 1-based): chr2:178,532,011, G>A on the plus strand (C>T on the coding strand, the complement: TTN is on the minus strand). VCF-style: chr2-178532011-G-A. GRCh37 (hg19) VCF-style: chr2-179396738-G-A.
Other names: c.99681C>T, p.Tyr33227= (NM_001256850.1); c.77409C>T, p.Tyr25803= (NM_003319.4); c.96900C>T, p.Tyr32300= (NM_133378.4); c.77784C>T, p.Tyr25928= (NM_133432.3); c.77985C>T, p.Tyr25995= (NM_133437.4).
Identifiers: ClinVar variation 1615542 (VCV001615542.25), dbSNP rs765047045, ClinGen allele CA1985391.

ClinVar aggregate classification (germline): Likely benign. Review status: criteria provided, multiple submitters, no conflicts (2 of 4 stars). 2 submissions from 2 submitters: Likely benign (2). Last evaluated 2026-02-01.

Conditions:
Autosomal recessive limb-girdle muscular dystrophy type 2J (LGMDR10). Also called: Limb-girdle muscular dystrophy, type 2J; MUSCULAR DYSTROPHY, LIMB-GIRDLE, AUTOSOMAL RECESSIVE 10. Identifiers: Orphanet 140922, MedGen C1837342, MONDO:0012127, OMIM 608807.
Dilated cardiomyopathy 1G (CMD1G). Identifiers: Orphanet 154, MedGen C1858763, MONDO:0011400, OMIM 604145.

Allele frequency attached by ClinVar (database versions not stated): TOPMed below 0.00001; gnomAD exomes 0.00001; ExAC 0.00002; gnomAD 0.00002.
gnomAD v4.1: 13 of 1,613,696 alleles (0.00081%); highest among the groups gnomAD compares: South Asian, 0.0066%; no homozygotes.

Submissions (2):

CeGaT Center for Human Genetics Tuebingen
Classification: Likely benign. Last evaluated: 2026-02-01. Review status: criteria provided, single submitter. Criteria: CeGaT Center For Human Genetics Tuebingen Variant Classification Criteria Version 2. Collection method: clinical testing. Allele origin: germline. Affected: yes. Observed: 2 variant alleles.
Comment: TTN: BP4, BP7

Labcorp Genetics (formerly Invitae), Labcorp
Classification: Likely benign for Dilated cardiomyopathy 1G; Autosomal recessive limb-girdle muscular dystrophy type 2J. Last evaluated: 2025-08-13. Review status: criteria provided, single submitter. Criteria: Invitae Variant Classification Sherloc (09022015). Collection method: clinical testing. Allele origin: germline.